The following is an entry in ClinVar:

ClinVar aggregate classification (germline): Pathogenic/Likely pathogenic. Review status: criteria provided, multiple submitters, no conflicts (2 of 4 stars). 3 submissions from 3 submitters: Pathogenic (1); Likely pathogenic (1). 1 of the submissions does not count toward it. Last evaluated 2024-08-21.

Conditions:
HPS6-related disorder. Also called: HPS6-related condition.
HPS6-related disorders.

Submissions (3):

Blueprint Genetics
Classification: Likely pathogenic for HPS6-related disorders. Last evaluated: 2024-08-21. Review status: criteria provided, single submitter. Criteria: ACMG Guidelines, 2015. Collection method: clinical testing. Allele origin: germline. Affected: yes. Observed: 2 variant alleles.

Labcorp Genetics (formerly Invitae), Labcorp
Classification: Pathogenic. Last evaluated: 2024-01-29. Review status: criteria provided, single submitter. Criteria: Invitae Variant Classification Sherloc (09022015). Collection method: clinical testing. Allele origin: germline.
Comment: This sequence change creates a premature translational stop signal (p.Trp595Alafs*14) in the HPS6 gene. While this is not anticipated to result in nonsense mediated decay, it is expected to disrupt the last 181 amino acid(s) of the HPS6 protein. This variant is present in population databases (no rsID available, gnomAD 0.0009%). This variant has not been reported in the literature in individuals affected with HPS6-related conditions. This variant disrupts a region of the HPS6 protein in which other variant(s) (p.Gln680*) have been determined to be pathogenic (PMID: 27225848). This suggests that this is a clinically significant region of the protein, and that variants that disrupt it are likely to be disease-causing. For these reasons, this variant has been classified as Pathogenic.

PreventionGenetics, part of Exact Sciences
Classification: Likely pathogenic for HPS6-related condition. Last evaluated: 2024-09-23. Review status: no assertion criteria provided. Collection method: clinical testing. Allele origin: germline. Not counted in ClinVar's aggregate classification.
Comment: The HPS6 c.1782_1794del13 variant is predicted to result in a frameshift and premature protein termination (p.Trp595Alafs*14). To our knowledge, this variant has not been reported in the literature. This variant is reported in 0.00092% of alleles in individuals of European (Non-Finnish) descent in gnomAD. Frameshift variants in HPS6 are expected to be pathogenic. This variant is interpreted as likely pathogenic.

Literature cited by the submitters: PubMed 27225848 (cited by Labcorp Genetics (formerly Invitae), Labcorp).

NM_024747.6(HPS6):c.1782_1794del (p.Trp595fs)

Gene: HPS6 (HPS6 biogenesis of lysosomal organelles complex 2 subunit 3; plus strand). Cytogenetic location: 10q24.32.
Variant type: Deletion.
Coding change: c.1782_1794del on transcript NM_024747.6 (MANE Select); coding-DNA positions 1782 to 1794, 13 bases deleted (CTGGGGGGCAGGG).
Protein change: p.Trp595fs; shifts the reading frame from tryptophan 595.
Molecular consequence: frameshift variant.
Genome position (GRCh38, 1-based): chr10:102,067,256-102,067,268, CTGGGGGGCAGGG deleted; deleting any 13 consecutive bases within chr10:102,067,253-102,067,268 gives the same sequence; the c. name uses the placement nearest the transcript's 3' end. VCF-style (leftmost placement, unchanged base first): chr10-102067252-CGGGCTGGGGGGCA-C. GRCh37 (hg19) VCF-style: chr10-103827009-CGGGCTGGGGGGCA-C.
Other names: c.1782_1794del13 (NM_024747.5); c.1782_1794delCTGGGGGGCAGGG, p.Trp595Alafs (NM_024747.5); short protein forms W595fs.
Identifiers: ClinVar variation 2863504 (VCV002863504.6), dbSNP rs1564899888, ClinGen allele CA595248872.